The following is an entry in ClinVar:

NM_182931.3(KMT2E):c.4658del (p.Ser1553fs)

Gene: KMT2E (lysine methyltransferase 2E (inactive); plus strand). Cytogenetic location: 7q22.3.
Variant type: Deletion.
Coding change: c.4658del on transcript NM_182931.3 (MANE Select); coding-DNA position 4658, one base deleted (C; older notation c.4658delC).
Protein change: p.Ser1553fs; shifts the reading frame from serine 1553.
Molecular consequence: frameshift variant.
Genome position (GRCh38, 1-based): chr7:105,112,414, C deleted. VCF-style (leftmost placement, unchanged base first): chr7-105112413-TC-T. GRCh37 (hg19) VCF-style: chr7-104752860-TC-T.
Other names: c.4532del, p.Ser1511fs (NM_001410908.1); c.4658del, p.Ser1553fs (NM_018682.4); short protein forms S1553fs, S1511fs.
Identifiers: ClinVar variation 3648440 (VCV003648440.2).
Genomic context (GRCh38, chr7:105,112,413, plus strand): 5'-CAGTTTAACCAACAAAGTCTGAACAGCACGGCACCACCCCCTCCACCTCCTCCACCTCCT[TC>T]TTCGTCTTACTATCAAAACCAGCAGCCCTCTGCAAACTTTCAGAATTATAATCAGCTCAA-3'

ClinVar aggregate classification (germline): Pathogenic (1 of 4 stars; one submission).

Submission:

Labcorp Genetics (formerly Invitae), Labcorp
Classification: Pathogenic. Last evaluated: 2025-06-09. Review status: criteria provided, single submitter. Criteria: Invitae Variant Classification Sherloc (09022015). Collection method: clinical testing. Allele origin: germline.
Comment: This sequence change creates a premature translational stop signal (p.Ser1553Phefs*52) in the KMT2E gene. While this is not anticipated to result in nonsense mediated decay, it is expected to disrupt the last 306 amino acid(s) of the KMT2E protein. This variant is not present in population databases (gnomAD no frequency). This variant has not been reported in the literature in individuals affected with KMT2E-related conditions. ClinVar contains an entry for this variant (Variation ID: 3648440). This variant disrupts a region of the KMT2E protein in which other variant(s) (p.Pro1683_Pro1694del) have been determined to be pathogenic (internal data). This suggests that this is a clinically significant region of the protein, and that variants that disrupt it are likely to be disease-causing. For these reasons, this variant has been classified as Pathogenic.